The following is an entry in ClinVar:

ClinVar aggregate classification (germline): Benign/Likely benign. Review status: criteria provided, multiple submitters, no conflicts (2 of 4 stars). 6 submissions from 6 submitters: Benign (2); Likely benign (4). Last evaluated 2026-05-01.

Conditions:
GFI1B-related disorder. Also called: GFI1B-related condition.

Allele frequency attached by ClinVar (database versions not stated): 1000 Genomes Project 30x 0.00047; 1000 Genomes Project 0.00060; TOPMed 0.00373; gnomAD 0.00401 and 0.00421; gnomAD exomes 0.00412 and 0.00647; ExAC 0.00456; ESP Exome Variant Server 0.00484.
gnomAD v4.1: 9,913 of 1,613,890 alleles (0.61%); highest among the groups gnomAD compares: Non-Finnish European, 0.77%; 36 homozygotes.

Submissions (6):

CeGaT Center for Human Genetics Tuebingen
Classification: Likely benign. Last evaluated: 2026-05-01. Review status: criteria provided, single submitter. Criteria: CeGaT Center For Human Genetics Tuebingen Variant Classification Criteria Version 2. Collection method: clinical testing. Allele origin: germline. Affected: yes. Observed: 4 variant alleles.
Comment: GFI1B: BP4, BP7, BS2

PreventionGenetics, part of Exact Sciences
Classification: Likely benign for GFI1B-related condition. Last evaluated: 2026-03-04. Review status: criteria provided, single submitter. Criteria: ACMG Guidelines, 2015. Collection method: clinical testing. Allele origin: germline.
Comment: This variant is classified as likely benign based on ACMG/AMP sequence variant interpretation guidelines (Richards et al. 2015 PMID: 25741868, with internal and published modifications).

Blueprint Genetics
Classification: Likely benign. Last evaluated: 2024-11-21. Review status: criteria provided, single submitter. Criteria: ACMG Guidelines, 2015. Collection method: clinical testing. Allele origin: germline.

Genetic Services Laboratory, University of Chicago
Classification: Benign. Last evaluated: 2021-07-26. Review status: criteria provided, single submitter. Criteria: ACMG Guidelines, 2015. Collection method: clinical testing. Allele origin: germline. Affected: no.

Labcorp Genetics (formerly Invitae), Labcorp
Classification: Benign. Last evaluated: 2018-06-06. Review status: criteria provided, single submitter. Criteria: Invitae Variant Classification Sherloc (09022015). Collection method: clinical testing. Allele origin: germline.

Breakthrough Genomics
Classification: Likely benign. Review status: criteria provided, single submitter. Criteria: ACMG Guidelines, 2015. Collection method: not provided. Allele origin: germline. Inheritance: Autosomal dominant inheritance. Affected: yes.

NM_001377304.1(GFI1B):c.576C>T (p.Phe192=)

Gene: GFI1B (growth factor independent 1B transcriptional repressor; plus strand). Cytogenetic location: 9q34.13.
Variant type: single nucleotide variant.
Coding change: c.576C>T on transcript NM_001377304.1 (MANE Select); coding-DNA position 576, C replaced by T.
Protein change: p.Phe192=; no amino-acid change (phenylalanine 192 retained).
Molecular consequence: synonymous variant. On other transcripts: intron variant (2).
Genome position (GRCh38, 1-based): chr9:132,989,126, C>T. VCF-style: chr9-132989126-C-T. GRCh37 (hg19) VCF-style: chr9-135864513-C-T.
Other names: c.576C>T, p.Phe192= (NM_001371908.1, NM_004188.8); c.511-616C>T (NM_001135031.2, NM_001377305.1).
Identifiers: ClinVar variation 788675 (VCV000788675.46), dbSNP rs150813342, ClinGen allele CA5301999.
Genomic context (GRCh38, chr9:132,989,126, plus strand): 5'-CTCCACCCCTCACGGGCTCGAAGTGCATGTGCGACGCTCCCATAGTGGGACCCGGCCCTT[C>T]GCCTGTGACATCTGCGGCAAAACCTTCGGCCACGCTGTGAGCCTGGAGCAGCACACGCAC-3'
Protein context (NP_001364233.1, residues 182-202): VRRSHSGTRP[Phe192=]ACDICGKTFG